The following is an entry in ClinVar:

ClinVar aggregate classification (germline): Benign/Likely benign. Review status: criteria provided, multiple submitters, no conflicts (2 of 4 stars). 6 submissions from 3 submitters: Benign (5); Likely benign (1). Last evaluated 2026-01-11.

Conditions:
Fetal akinesia, respiratory insufficiency, microcephaly, polymicrogyria, and dysmorphic facies. Identifiers: MedGen C5562015, MONDO:0859204, OMIM 619602.
Developmental and epileptic encephalopathy 98. Identifiers: MedGen C5562017, MONDO:0030472, OMIM 619605.
Familial hemiplegic migraine. Identifiers: MedGen C0338484, MONDO:0000700.
Migraine, familial hemiplegic, 2. Identifiers: Orphanet 569, MedGen C1865322, MONDO:0011232, OMIM 602481.
Alternating hemiplegia of childhood 1 (AHC1). Identifiers: Orphanet 2131, MedGen C3549447, MONDO:0007087, OMIM 104290.

Allele frequency attached by ClinVar (database versions not stated): gnomAD 0.00003; TOPMed 0.00004.

Submissions (6):

Labcorp Genetics (formerly Invitae), Labcorp
Classification: Benign for Familial hemiplegic migraine. Last evaluated: 2026-01-11. Review status: criteria provided, single submitter. Criteria: Invitae Variant Classification Sherloc (09022015). Collection method: clinical testing. Allele origin: germline.

Genome-Nilou Lab
Classification: Benign for Alternating hemiplegia of childhood 1. Last evaluated: 2021-12-05. Review status: criteria provided, single submitter. Criteria: ACMG Guidelines, 2015. Collection method: clinical testing. Allele origin: germline. Affected: no.

Genome-Nilou Lab
Classification: Benign for Developmental and epileptic encephalopathy 98. Last evaluated: 2021-12-05. Review status: criteria provided, single submitter. Criteria: ACMG Guidelines, 2015. Collection method: clinical testing. Allele origin: germline. Affected: no.

Genome-Nilou Lab
Classification: Benign for Fetal akinesia, respiratory insufficiency, microcephaly, polymicrogyria, and dysmorphic facies. Last evaluated: 2021-12-05. Review status: criteria provided, single submitter. Criteria: ACMG Guidelines, 2015. Collection method: clinical testing. Allele origin: germline. Affected: no.

Genome-Nilou Lab
Classification: Benign for Migraine, familial hemiplegic, 2. Last evaluated: 2021-12-05. Review status: criteria provided, single submitter. Criteria: ACMG Guidelines, 2015. Collection method: clinical testing. Allele origin: germline. Affected: no.

GeneDx
Classification: Likely benign. Last evaluated: 2017-01-31. Review status: criteria provided, single submitter. Criteria: GeneDx Variant Classification (06012015). Collection method: clinical testing. Allele origin: germline. Affected: yes.
Comment: This variant is considered likely benign or benign based on one or more of the following criteria: it is a conservative change, it occurs at a poorly conserved position in the protein, it is predicted to be benign by multiple in silico algorithms, and/or has population frequency not consistent with disease.

NM_000702.4(ATP1A2):c.2116-14C>T

Gene: ATP1A2 (ATPase Na+/K+ transporting subunit alpha 2; plus strand). Cytogenetic location: 1q23.2.
Variant type: single nucleotide variant.
Coding change: c.2116-14C>T on transcript NM_000702.4 (MANE Select); 14 bases into the intron before coding-DNA position 2116, C replaced by T.
Molecular consequence: intron variant.
Genome position (GRCh38, 1-based): chr1:160,135,420, C>T. VCF-style: chr1-160135420-C-T. GRCh37 (hg19) VCF-style: chr1-160105210-C-T.
Identifiers: ClinVar variation 507066 (VCV000507066.10), dbSNP rs748188822, ClinGen allele CA1194676.
Genomic context (GRCh38, chr1:160,135,420, plus strand): 5'-AAGCATGGAGTGAGAGGCGAGGAGCCAGGCTTGGGAAGGGGTTTCGTCCTCAAGTGTGGC[C>T]GTCTTCCCTCCAGGGAGCCATTGTGGCCGTGACGGGTGACGGGGTGAACGACTCCCCTGC-3'